The following is an entry in ClinVar:

ClinVar aggregate classification (germline): Uncertain significance (1 of 4 stars; one submission).

Conditions:
Pfeiffer syndrome (ACS5). Also called: ACS V. Identifiers: Orphanet 710, MedGen C0220658, MONDO:0007043, OMIM 101600.
Hypogonadotropic hypogonadism 2 with or without anosmia (HH2). Also called: FGFR1-Related GnRH Deficiency (Kallmann Syndrome 2); HYPOGONADOTROPIC HYPOGONADISM 2 WITHOUT ANOSMIA; HYPOGONADOTROPIC HYPOGONADISM 2 WITH OR WITHOUT ANOSMIA, SUSCEPTIBILITY TO; HYPOGONADOTROPIC HYPOGONADISM 2 WITHOUT ANOSMIA, SUSCEPTIBILITY TO. Identifiers: Orphanet 478, MedGen C1563720, MONDO:0007844, OMIM 147950. Disease mechanism: loss of function.

Submission:

Labcorp Genetics (formerly Invitae), Labcorp
Classification: Uncertain significance for Pfeiffer syndrome; Hypogonadotropic hypogonadism 2 with or without anosmia. Last evaluated: 2026-01-07. Review status: criteria provided, single submitter. Criteria: Invitae Variant Classification Sherloc (09022015). Collection method: clinical testing. Allele origin: germline.
Comment: This variant, c.1214_1216del, results in the deletion of 1 amino acid(s) of the FGFR1 protein (p.Lys405del), but otherwise preserves the integrity of the reading frame. This variant is present in population databases (rs766382730, gnomAD 0.0009%). This variant has not been reported in the literature in individuals affected with FGFR1-related conditions. Experimental studies and prediction algorithms are not available or were not evaluated, and the functional significance of this variant is currently unknown. In summary, the available evidence is currently insufficient to determine the role of this variant in disease. Therefore, it has been classified as a Variant of Uncertain Significance.

NM_023110.3(FGFR1):c.1211AGA[1] (p.Lys405del)

Gene: FGFR1 (fibroblast growth factor receptor 1; minus strand). Cytogenetic location: 8p11.23.
Variant type: Microsatellite.
Coding change: c.1211AGA[1] on transcript NM_023110.3 (MANE Select); one copy of the 3-base unit AGA starting at c.1211; the reference has two copies in a row; one copy, 3 bases deleted.
Protein change: p.Lys405del; deletes lysine 405.
Genome position (GRCh38, 1-based): chr8:38,419,601-38,419,603, TCT deleted on the plus strand (AGA on the coding strand, the reverse complement: FGFR1 is on the minus strand); deleting any 3 consecutive bases within chr8:38,419,601-38,419,607 gives the same sequence; the position shown is the placement nearest the transcript's 3' end. VCF-style (leftmost placement, unchanged base first): chr8-38419600-CTCT-C. GRCh37 (hg19) VCF-style: chr8-38277118-CTCT-C.
Other names: c.1211AGA[1], p.Lys405del (NM_001174063.2); c.1187AGA[1], p.Lys397del (NM_001174064.2); c.1205AGA[1], p.Lys403del (NM_001174065.2, NM_001354367.2, NM_001354369.2 and 2 more transcripts); c.944AGA[1], p.Lys316del (NM_001174066.2, NM_023105.3); c.1304AGA[1], p.Lys436del (NM_001174067.2); c.938AGA[1], p.Lys314del (NM_001354368.2, NM_001354370.2, NM_023106.3); short protein forms K314del, K397del, K403del, K436del, K316del, K405del.
Identifiers: ClinVar variation 4794349 (VCV004794349.1).
Genomic context (GRCh38, chr8:38,419,600, plus strand): 5'-TGTCTGCGCAGAGGGATGCTCTTGGCCAGCTTGTGCACAGCCATCTGGCTGTGGAAGTCA[CTCT>C]TCTTGGTACCACTCTTCATCTTGTAGACGATGACCGACCCCACCATGCAGGAGATGAGGA-3'